The following is an entry in ClinVar:

ClinVar aggregate classification (germline): Pathogenic (1 of 4 stars; one submission).

Conditions:
Hyperinsulinemic hypoglycemia, familial, 1 (HHF1). Also called: HYPERINSULINISM, FAMILIAL, WITH PANCREATIC NESIDIOBLASTOSIS; HYPOGLYCEMIA, HYPERINSULINEMIC, OF INFANCY; NESIDIOBLASTOSIS OF PANCREAS; Persistent Hyperinsulinemia Hypoglycemia of Infancy; Persistent hyperinsulinemic hypoglycemia of infancy. Identifiers: Orphanet 276575, Orphanet 276598, MedGen C2931832, MONDO:0009734, OMIM 256450.

Submission:

Myriad Genetics, Inc.
Classification: Pathogenic for Hyperinsulinemic hypoglycemia, familial, 1. Last evaluated: 2025-01-03. Review status: criteria provided, single submitter. Criteria: Myriad Autosomal Dominant, Autosomal Recessive and X-Linked Classification Criteria (2023). Collection method: clinical testing. Allele origin: unknown.
Comment: NM_000352.3(ABCC8):c.1901dupC(A635Sfs*41) is expected to be pathogenic in the context of familial hyperinsulinism, ABCC8-related. This variant is predicted to lead to an abnormal or absent protein product due to the creation of a premature termination codon in ABCC8, a gene where loss-of-function variants are known to be pathogenic. Please note: this variant was assessed in the context of healthy population screening.

NM_000352.6(ABCC8):c.1901dup (p.Ala635fs)

Gene: ABCC8 (ATP binding cassette subfamily C member 8; minus strand). Cytogenetic location: 11p15.1.
Variant type: Duplication.
Coding change: c.1901dup on transcript NM_000352.6 (MANE Select); coding-DNA position 1901, one base duplicated (C; older notation c.1901dupC).
Protein change: p.Ala635fs; shifts the reading frame from alanine 635.
Molecular consequence: frameshift variant. On other transcripts: non-coding transcript variant (1).
Genome position (GRCh38, 1-based): chr11:17,428,587, G duplicated on the plus strand (C on the coding strand, the reverse complement: ABCC8 is on the minus strand); the first of 3 consecutive G bases (chr11:17,428,587-17,428,589); duplicating any one gives the same sequence. VCF-style (leftmost placement, unchanged base first): chr11-17428586-T-TG. GRCh37 (hg19) VCF-style: chr11-17450133-T-TG.
Other names: c.1901dup, p.Ala635fs (NM_001287174.3, NM_001351295.2); c.1898dup, p.Ala634fs (NM_001351296.2, NM_001351297.2); short protein forms A634fs, A635fs.
Identifiers: ClinVar variation 5013917 (VCV005013917.1).